The following is an entry in ClinVar:

ClinVar aggregate classification (germline): Likely benign. Review status: criteria provided, single submitter (1 of 4 stars). 2 submissions from 2 submitters: Likely benign (1). 1 of the submissions does not count toward it. Last evaluated 2025-07-22.

Conditions:
TNXB-related disorder. Also called: TNXB-related condition.

Submissions (2):

Mayo Clinic Laboratories, Mayo Clinic
Classification: Likely benign. Last evaluated: 2025-07-22. Review status: criteria provided, single submitter. Criteria: ACMG Guidelines, 2015. Collection method: clinical testing. Allele origin: germline. Observed: 1 variant allele.
Comment: BP4, BP7, PM2_supporting

PreventionGenetics, part of Exact Sciences
Classification: Likely benign for TNXB-related condition. Last evaluated: 2019-09-19. Review status: no assertion criteria provided. Collection method: clinical testing. Allele origin: germline. Not counted in ClinVar's aggregate classification.
Comment: This variant is classified as likely benign based on ACMG/AMP sequence variant interpretation guidelines (Richards et al. 2015 PMID: 25741868, with internal and published modifications).

NM_001365276.2(TNXB):c.9411A>G (p.Val3137=)

Gene: TNXB (tenascin XB; minus strand). Cytogenetic location: 6p21.33.
Variant type: single nucleotide variant.
Coding change: c.9411A>G on transcript NM_001365276.2 (MANE Select); coding-DNA position 9411, A replaced by G.
Protein change: p.Val3137=; no amino-acid change (valine 3137 retained).
Molecular consequence: synonymous variant.
Genome position (GRCh38, 1-based): chr6:32,050,026, T>C on the plus strand (A>G on the coding strand, the complement: TNXB is on the minus strand). VCF-style: chr6-32050026-T-C. GRCh37 (hg19) VCF-style: chr6-32017803-T-C.
Other names: p.Val3135=; c.10152A>G, p.Val3384= (NM_001428335.1); c.9405A>G, p.Val3135= (NM_019105.8).
Identifiers: ClinVar variation 3355402 (VCV003355402.2).
Genomic context (GRCh38, chr6:32,050,026, plus strand): 5'-CTCCCACCCTGGGGCTCCCATCATTCACTCACCCGTCACCCCAATGGCAGACACAGGGCC[T>C]ACGCGCTGGCCACCGTGGAAGCCGTACAGGTTCATCTTGTATTTATGGTCTGGCTCCAGG-3'
Protein context (NP_001352205.1, residues 3127-3147): NLYGFHGGQR[Val3137=]GPVSAIGVTE